The following is an entry in ClinVar:

NM_005267.5(GJA8):c.142G>A (p.Glu48Lys)

Gene: GJA8 (gap junction protein alpha 8; plus strand). Cytogenetic location: 1q21.2.
Variant type: single nucleotide variant.
Coding change: c.142G>A on transcript NM_005267.5 (MANE Select); coding-DNA position 142, G replaced by A.
Protein change: p.Glu48Lys; replaces glutamic acid 48 with lysine.
Molecular consequence: missense variant.
Genome position (GRCh38, 1-based): chr1:147,908,097, G>A. VCF-style: chr1-147908097-G-A. GRCh37 (hg19) VCF-style: chr1-147380224-G-A.
Other names: short protein forms E48K.
Identifiers: ClinVar variation 8722 (VCV000008722.4), dbSNP rs80358201, ClinGen allele CA119863.
Genomic context (GRCh38, chr1:147,908,097, plus strand): 5'-GTGCTTTTCATCTTCCGGATCCTCATCCTTGGCACGGCCGCAGAGTTCGTGTGGGGGGAT[G>A]AGCAATCCGACTTCGTGTGCAACACCCAGCAGCCTGGCTGCGAGAACGTCTGCTACGACG-3'
Protein context (NP_005258.2, residues 38-58): GTAAEFVWGD[Glu48Lys]QSDFVCNTQQ

ClinVar aggregate classification (germline): Conflicting classifications of pathogenicity. Review status: criteria provided, conflicting classifications (1 of 4 stars). 3 submissions from 3 submitters: Pathogenic (1); Uncertain significance (1). 1 of the submissions does not count toward it. Last evaluated 2024-12-14.

Conditions:
Cataract 1 multiple types. Also called: CATARACT, DUFFY-LINKED; CATARACT 1, MULTIPLE TYPES, WITH OR WITHOUT MICROCORNEA; CATARACT 1 WITH MICROCORNEA; CATARACT 1, NUCLEAR PROGRESSIVE; CATARACT 1, POSTERIOR SUBCAPSULAR, WITH MICROCORNEA; CATARACT 1, STELLATE NUCLEAR, WITH MICROCORNEA. Identifiers: Orphanet 1377, MedGen C1861828, MONDO:0007285, OMIM 116200.

Submissions (3):

Labcorp Genetics (formerly Invitae), Labcorp
Classification: Pathogenic for Cataract 1 multiple types. Last evaluated: 2024-12-14. Review status: criteria provided, single submitter. Criteria: Invitae Variant Classification Sherloc (09022015). Collection method: clinical testing. Allele origin: germline.
Comment: This sequence change replaces glutamic acid, which is acidic and polar, with lysine, which is basic and polar, at codon 48 of the GJA8 protein (p.Glu48Lys). This variant is not present in population databases (gnomAD no frequency). This missense change has been observed in individual(s) with autosomal dominant congenital cataracts (PMID: 10480374). It has also been observed to segregate with disease in related individuals. ClinVar contains an entry for this variant (Variation ID: 8722). Invitae Evidence Modeling of protein sequence and biophysical properties (such as structural, functional, and spatial information, amino acid conservation, physicochemical variation, residue mobility, and thermodynamic stability) indicates that this missense variant is expected to disrupt GJA8 protein function with a positive predictive value of 95%. Experimental studies have shown that this missense change affects GJA8 function (PMID: 19126675). This variant disrupts the p.Glu48 amino acid residue in GJA8. Other variant(s) that disrupt this residue have been determined to be pathogenic (internal data). This suggests that this residue is clinically significant, and that variants that disrupt this residue are likely to be disease-causing. For these reasons, this variant has been classified as Pathogenic.

Dept. Genetics and Cancer, Menzies Institute for Medical Research, University of Tasmania
Classification: Uncertain significance for Cataract 1 multiple types. Last evaluated: 2023-01-21. Review status: criteria provided, single submitter. Criteria: ACMG Guidelines, 2015. Collection method: curation. Allele origin: germline. Affected: yes.
Comment: Variant identified and curated during a GJA8 specific review of the literature in relation to pediatric or congenital cataract. ACMG-AMP criteria applied: PP1(Moderate), PM1(Supporting), PM2(Supporting), PP3. Original variant report: PMID:10480374. The cataract phenotype reported for this variant is: Pulverulent nuclear and zonular. Gene review and curation guidelines are outlined in: DOI 10.1080/17469899.2023.2160320

OMIM
Classification: Pathogenic for CATARACT 1, ZONULAR PULVERULENT. Last evaluated: 1999-07-01. Review status: no assertion criteria provided. Collection method: literature only. Allele origin: germline. Not counted in ClinVar's aggregate classification.

Literature cited by the submitters: PubMed 10480374 (cited by 3 submitters); PubMed 19126675 (cited by Labcorp Genetics (formerly Invitae), Labcorp).